The following is an entry in ClinVar:

NM_203447.4(DOCK8):c.5207C>G (p.Ala1736Gly)

Gene: DOCK8 (dedicator of cytokinesis 8; plus strand). Cytogenetic location: 9p24.3.
Variant type: single nucleotide variant.
Coding change: c.5207C>G on transcript NM_203447.4 (MANE Select); coding-DNA position 5207, C replaced by G.
Protein change: p.Ala1736Gly; replaces alanine 1736 with glycine.
Molecular consequence: missense variant.
Genome position (GRCh38, 1-based): chr9:439,372, C>G. VCF-style: chr9-439372-C-G. GRCh37 (hg19) VCF-style: chr9-439372-C-G.
Other names: c.4907C>G, p.Ala1636Gly (NM_001190458.2); c.5003C>G, p.Ala1668Gly (NM_001193536.2); short protein forms A1736G, A1636G, A1668G.
Identifiers: ClinVar variation 228617 (VCV000228617.9), dbSNP rs139990627, ClinGen allele CA4959341.

ClinVar aggregate classification (germline): Uncertain significance. Review status: criteria provided, multiple submitters, no conflicts (2 of 4 stars). 4 submissions from 4 submitters: Uncertain significance (4). Last evaluated 2025-05-23.

Conditions:
Combined immunodeficiency due to DOCK8 deficiency (HIES2). Also called: HYPER-IgE SYNDROME 2, AUTOSOMAL RECESSIVE, WITH RECURRENT INFECTIONS; HIES autosomal recessive; Hyper-IgE recurrent infection syndrome, autosomal recessive; HYPER-IgE RECURRENT INFECTION SYNDROME 2, AUTOSOMAL RECESSIVE; DOCK8 Deficiency. Identifiers: Orphanet 217390, MedGen C4722305, MONDO:0009478, OMIM 243700.

Allele frequency attached by ClinVar (database versions not stated): TOPMed 0.00001.
gnomAD v4.1: 15 of 1,613,528 alleles (0.00093%); highest among the groups gnomAD compares: Middle Eastern, 0.017%; no homozygotes.

Submissions (4):

Labcorp Genetics (formerly Invitae), Labcorp
Classification: Uncertain significance for Combined immunodeficiency due to DOCK8 deficiency. Last evaluated: 2025-05-23. Review status: criteria provided, single submitter. Criteria: Invitae Variant Classification Sherloc (09022015). Collection method: clinical testing. Allele origin: germline.
Comment: This sequence change replaces alanine, which is neutral and non-polar, with glycine, which is neutral and non-polar, at codon 1736 of the DOCK8 protein (p.Ala1736Gly). This variant is present in population databases (rs139990627, gnomAD 0.002%). This variant has not been reported in the literature in individuals affected with DOCK8-related conditions. ClinVar contains an entry for this variant (Variation ID: 228617). Invitae Evidence Modeling of protein sequence and biophysical properties (such as structural, functional, and spatial information, amino acid conservation, physicochemical variation, residue mobility, and thermodynamic stability) has been performed for this missense variant. However, the output from this modeling did not meet the statistical confidence thresholds required to predict the impact of this variant on DOCK8 protein function. In summary, the available evidence is currently insufficient to determine the role of this variant in disease. Therefore, it has been classified as a Variant of Uncertain Significance.

Blueprint Genetics
Classification: Uncertain significance. Last evaluated: 2024-11-24. Review status: criteria provided, single submitter. Criteria: ACMG Guidelines, 2015. Collection method: clinical testing. Allele origin: germline.

Baylor Genetics
Classification: Uncertain significance for Combined immunodeficiency due to DOCK8 deficiency. Last evaluated: 2020-01-24. Review status: criteria provided, single submitter. Criteria: ACMG Guidelines, 2015. Collection method: clinical testing. Allele origin: unknown. Affected: yes.
Comment: This variant was determined to be of uncertain significance according to ACMG Guidelines, 2015 [PMID:25741868].

Laboratory for Molecular Medicine, Mass General Brigham Personalized Medicine
Classification: Uncertain significance. Last evaluated: 2015-08-06. Review status: criteria provided, single submitter. Criteria: LMM Criteria. Collection method: clinical testing. Allele origin: germline. Observed: 1 variant allele.
Comment: The p.Ala1736Gly variant in DOCK8 has not been previously reported in individual s with pulmonary disease, but has been identified in 1/66532 European chromosome s by the Exome Aggregation Consortium (ExAC). Co mputational prediction tools and conservation analysis do not provide strong sup port for or against an impact to the protein. In summary, the clinical significa nce of the p.Ala1736Gly variant is uncertain.